The following is an entry in ClinVar:

ClinVar aggregate classification (germline): Uncertain significance (1 of 4 stars; one submission).

Conditions:
Glycogen storage disease type III (GSD3). Also called: Cori disease; FORBES DISEASE. Identifiers: Orphanet 366, MedGen C0017922, MONDO:0009291, OMIM 232400.

Allele frequency attached by ClinVar (database versions not stated): gnomAD exomes below 0.00001.
gnomAD v4.1: 1 of 1,613,956 alleles (0.000062%); highest among the groups gnomAD compares: East Asian, 0.0022%; no homozygotes.

Submission:

Labcorp Genetics (formerly Invitae), Labcorp
Classification: Uncertain significance for Glycogen storage disease type III. Last evaluated: 2021-08-27. Review status: criteria provided, single submitter. Criteria: Invitae Variant Classification Sherloc (09022015). Collection method: clinical testing. Allele origin: germline.
Comment: This sequence change replaces asparagine with serine at codon 628 of the AGL protein (p.Asn628Ser). The asparagine residue is highly conserved and there is a small physicochemical difference between asparagine and serine. This variant is not present in population databases (ExAC no frequency). This variant has not been reported in the literature in individuals affected with AGL-related conditions. Algorithms developed to predict the effect of missense changes on protein structure and function are either unavailable or do not agree on the potential impact of this missense change (SIFT: "Deleterious"; PolyPhen-2: "Probably Damaging"; Align-GVGD: "Class C0"). Algorithms developed to predict the effect of sequence changes on RNA splicing suggest that this variant may create or strengthen a splice site. In summary, the available evidence is currently insufficient to determine the role of this variant in disease. Therefore, it has been classified as a Variant of Uncertain Significance.

NM_000642.3(AGL):c.1883A>G (p.Asn628Ser)

Gene: AGL (amylo-alpha-1,6-glucosidase and 4-alpha-glucanotransferase; plus strand). Cytogenetic location: 1p21.2.
Variant type: single nucleotide variant.
Coding change: c.1883A>G on transcript NM_000642.3 (MANE Select); coding-DNA position 1883, A replaced by G.
Protein change: p.Asn628Ser; replaces asparagine 628 with serine.
Molecular consequence: missense variant.
Genome position (GRCh38, 1-based): chr1:99,880,779, A>G. VCF-style: chr1-99880779-A-G. GRCh37 (hg19) VCF-style: chr1-100346335-A-G.
Other names: c.1883A>G, p.Asn628Ser (NM_000028.3, NM_000643.3, NM_000644.3 and 2 more transcripts); c.1835A>G, p.Asn612Ser (NM_000646.3); c.1682A>G, p.Asn561Ser (NM_001425327.1); c.1679A>G, p.Asn560Ser (NM_001425328.1, NM_001425329.1); c.1505A>G, p.Asn502Ser (NM_001425332.1); short protein forms N612S, N628S, N502S, N560S, N561S.
Identifiers: ClinVar variation 960262 (VCV000960262.7), dbSNP rs1651950655, ClinGen allele CA341317085.